The following is an entry in ClinVar:

NM_020821.3(VPS13C):c.5209G>A (p.Ala1737Thr)

Gene: VPS13C (vacuolar protein sorting 13 homolog C; minus strand). Cytogenetic location: 15q22.2.
Variant type: single nucleotide variant.
Coding change: c.5209G>A on transcript NM_020821.3 (MANE Select); coding-DNA position 5209, G replaced by A.
Protein change: p.Ala1737Thr; replaces alanine 1737 with threonine.
Molecular consequence: missense variant.
Genome position (GRCh38, 1-based): chr15:61,942,007, C>T on the plus strand (G>A on the coding strand, the complement: VPS13C is on the minus strand). VCF-style: chr15-61942007-C-T. GRCh37 (hg19) VCF-style: chr15-62234206-C-T.
Other names: c.5209G>A, p.Ala1737Thr (NM_001018088.3); c.5080G>A, p.Ala1694Thr (NM_017684.5, NM_018080.4); short protein forms A1694T, A1737T.
Identifiers: ClinVar variation 5016843 (VCV005016843.1).
Genomic context (GRCh38, chr15:61,942,007, plus strand): 5'-CCATCAAAAGGCGGAAACTCTTTTGAGCCAAGTCTTTCATGCTGGAAGCAGCTCTTTCTG[C>T]AGCCTGGACTGTGGCTGTACTCAAAGCTTCTTTAGCAGTTTGGAAATTGTTGAGGAAGTT-3'
Protein context (NP_065872.1, residues 1727-1747): EALSTATVQA[Ala1737Thr]ERAASSMKDL

ClinVar aggregate classification (germline): Uncertain significance (1 of 4 stars; one submission).

gnomAD v4.1: 7 of 1,613,718 alleles (0.00043%); highest among the groups gnomAD compares: Non-Finnish European, 0.00059%; no homozygotes.

Submission:

GeneDx
Classification: Uncertain significance. Last evaluated: 2026-03-30. Review status: criteria provided, single submitter. Criteria: GeneDx Variant Classification Process June 2021. Collection method: clinical testing. Allele origin: germline.
Comment: Reported along with a second variant in the VPS13C gene in a patient with Parkinson disease in the published literature; however, segregation information was not provided (PMID: 35531120); Not observed at significant frequency in large population cohorts (gnomAD); In silico analysis supports that this missense variant has a deleterious effect on protein structure/function; This variant is associated with the following publications: (PMID: 35531120)